The following is an entry in ClinVar:

ClinVar aggregate classification (germline): Uncertain significance (1 of 4 stars; one submission).

Conditions:
Cardiovascular phenotype. Identifiers: MedGen CN230736.

Submission:

Ambry Genetics
Classification: Uncertain significance for Cardiovascular phenotype. Last evaluated: 2021-06-12. Review status: criteria provided, single submitter. Criteria: Ambry Variant Classification Scheme 2023. Collection method: clinical testing. Allele origin: germline.
Comment: The p.D386E variant (also known as c.1158T>A), located in coding exon 9 of the LAMA4 gene, results from a T to A substitution at nucleotide position 1158. The aspartic acid at codon 386 is replaced by glutamic acid, an amino acid with highly similar properties. This amino acid position is conserved. In addition, this alteration is predicted to be tolerated by in silico analysis. Since supporting evidence is limited at this time, the clinical significance of this alteration remains unclear.

NM_001105206.3(LAMA4):c.1179T>A (p.Asp393Glu)

Gene: LAMA4 (laminin subunit alpha 4; minus strand). Cytogenetic location: 6q21.
Variant type: single nucleotide variant.
Coding change: c.1179T>A on transcript NM_001105206.3 (MANE Select); coding-DNA position 1179, T replaced by A.
Protein change: p.Asp393Glu; replaces aspartic acid 393 with glutamic acid.
Molecular consequence: missense variant.
Genome position (GRCh38, 1-based): chr6:112,178,131, A>T on the plus strand (T>A on the coding strand, the complement: LAMA4 is on the minus strand). VCF-style: chr6-112178131-A-T. GRCh37 (hg19) VCF-style: chr6-112499333-A-T.
Other names: c.1158T>A, p.Asp386Glu (NM_001105207.3, NM_002290.5); short protein forms D386E, D393E.
Identifiers: ClinVar variation 1735935 (VCV001735935.2), dbSNP rs2547121452, ClinGen allele CA365372845.